The following is an entry in ClinVar:

NM_001206927.2(DNAH8):c.2189C>G (p.Pro730Arg)

Gene: DNAH8 (dynein axonemal heavy chain 8; plus strand). Cytogenetic location: 6p21.2.
Variant type: single nucleotide variant.
Coding change: c.2189C>G on transcript NM_001206927.2 (MANE Select); coding-DNA position 2189, C replaced by G.
Protein change: p.Pro730Arg; replaces proline 730 with arginine.
Molecular consequence: missense variant.
Genome position (GRCh38, 1-based): chr6:38,781,303, C>G. VCF-style: chr6-38781303-C-G. GRCh37 (hg19) VCF-style: chr6-38749079-C-G.
Other names: c.1538C>G, p.Pro513Arg (NM_001371.4); short protein forms P513R, P730R.
Identifiers: ClinVar variation 3724968 (VCV003724968.2).

ClinVar aggregate classification (germline): Uncertain significance (1 of 4 stars; one submission).

Conditions:
Primary ciliary dyskinesia. Also called: Ciliary dyskinesia. Identifiers: Orphanet 244, MedGen C0008780, MONDO:0016575, HP:0012265.

gnomAD v4.1: 1 of 1,613,806 alleles (0.000062%); highest among the groups gnomAD compares: Admixed American, 0.0017%; no homozygotes.

Submission:

Labcorp Genetics (formerly Invitae), Labcorp
Classification: Uncertain significance for Primary ciliary dyskinesia. Last evaluated: 2024-11-17. Review status: criteria provided, single submitter. Criteria: Invitae Variant Classification Sherloc (09022015). Collection method: clinical testing. Allele origin: germline.
Comment: This sequence change replaces proline, which is neutral and non-polar, with arginine, which is basic and polar, at codon 730 of the DNAH8 protein (p.Pro730Arg). This variant is not present in population databases (gnomAD no frequency). This variant has not been reported in the literature in individuals affected with DNAH8-related conditions. Experimental studies and prediction algorithms are not available or were not evaluated, and the functional significance of this variant is currently unknown. In summary, the available evidence is currently insufficient to determine the role of this variant in disease. Therefore, it has been classified as a Variant of Uncertain Significance.